The following is an entry in ClinVar:

ClinVar aggregate classification (germline): Uncertain significance (1 of 4 stars; one submission).

Conditions:
Cortical dysplasia-focal epilepsy syndrome (PTHSL1). Also called: Pitt-Hopkins-like syndrome 1. Identifiers: Orphanet 163681, Orphanet 221150, MedGen C2750246, MONDO:0012400, OMIM 610042.

Allele frequency attached by ClinVar (database versions not stated): gnomAD exomes below 0.00001 and 0.00002; TOPMed below 0.00001; gnomAD 0.00001; ExAC 0.00002; 1000 Genomes Project 0.00020; 1000 Genomes Project 30x 0.00031.
gnomAD v4.1: 6 of 1,614,104 alleles (0.00037%); highest among the groups gnomAD compares: South Asian, 0.0044%; no homozygotes.

Submission:

Labcorp Genetics (formerly Invitae), Labcorp
Classification: Uncertain significance for Cortical dysplasia-focal epilepsy syndrome. Last evaluated: 2021-08-13. Review status: criteria provided, single submitter. Criteria: Invitae Variant Classification Sherloc (09022015). Collection method: clinical testing. Allele origin: germline.
Comment: This sequence change replaces valine with isoleucine at codon 867 of the CNTNAP2 protein (p.Val867Ile). The valine residue is highly conserved and there is a small physicochemical difference between valine and isoleucine. This variant is present in population databases (rs565362022, ExAC 0.006%). This missense change has been observed in individual(s) with clinical features of CNTNAP2-related conditions (Invitae). Algorithms developed to predict the effect of missense changes on protein structure and function are either unavailable or do not agree on the potential impact of this missense change (SIFT: "Deleterious"; PolyPhen-2: "Benign"; Align-GVGD: "Class C25"). In summary, the available evidence is currently insufficient to determine the role of this variant in disease. Therefore, it has been classified as a Variant of Uncertain Significance.

NM_014141.6(CNTNAP2):c.2599G>A (p.Val867Ile)

Gene: CNTNAP2 (contactin associated protein 2; plus strand). Cytogenetic location: 7q35.
Variant type: single nucleotide variant.
Coding change: c.2599G>A on transcript NM_014141.6 (MANE Select); coding-DNA position 2599, G replaced by A.
Protein change: p.Val867Ile; replaces valine 867 with isoleucine.
Molecular consequence: missense variant.
Genome position (GRCh38, 1-based): chr7:148,147,535, G>A. VCF-style: chr7-148147535-G-A. GRCh37 (hg19) VCF-style: chr7-147844627-G-A.
Other names: short protein forms V867I.
Identifiers: ClinVar variation 644775 (VCV000644775.6), dbSNP rs565362022, ClinGen allele CA4546443.